The following is an entry in ClinVar:

ClinVar aggregate classification (germline): Likely benign. Review status: criteria provided, multiple submitters, no conflicts (2 of 4 stars). 4 submissions from 4 submitters: Likely benign (4). Last evaluated 2025-03-04.

Allele frequency attached by ClinVar (database versions not stated): TOPMed 0.00001; gnomAD 0.00006 and 0.00007; 1000 Genomes Project 30x 0.00016; gnomAD exomes 0.00019; ExAC 0.00020.
gnomAD v4.1: 132 of 1,550,288 alleles (0.0085%); highest among the groups gnomAD compares: South Asian, 0.0083%; 1 homozygote.

Submissions (4):

Labcorp Genetics (formerly Invitae), Labcorp
Classification: Likely benign. Last evaluated: 2025-03-04. Review status: criteria provided, single submitter. Criteria: Invitae Variant Classification Sherloc (09022015). Collection method: clinical testing. Allele origin: germline.

Blueprint Genetics
Classification: Likely benign. Last evaluated: 2024-09-24. Review status: criteria provided, single submitter. Criteria: ACMG Guidelines, 2015. Collection method: clinical testing. Allele origin: germline.

Laboratory for Molecular Medicine, Mass General Brigham Personalized Medicine
Classification: Likely benign. Last evaluated: 2017-08-23. Review status: criteria provided, single submitter. Criteria: LMM Criteria. Collection method: clinical testing. Allele origin: germline. Observed: 1 variant allele.
Comment: p.Leu2752Leu in exon 51 of OTOG: This variant is not expected to have clinical s ignificance because it does not alter an amino acid residue and is not located w ithin the splice consensus sequence. It has been identified in 1/5086 European c hromosomes by the Exome Aggregation Consortium (ExAC .org; dbSNP rs749120808).

Breakthrough Genomics
Classification: Likely benign. Review status: criteria provided, single submitter. Criteria: ACMG Guidelines, 2015. Collection method: not provided. Allele origin: germline. Inheritance: Autosomal recessive inheritance. Affected: yes.

NM_001292063.2(OTOG):c.8220C>T (p.Leu2740=)

Gene: OTOG (otogelin; plus strand). Cytogenetic location: 11p15.1.
Variant type: single nucleotide variant.
Coding change: c.8220C>T on transcript NM_001292063.2 (MANE Select); coding-DNA position 8220, C replaced by T.
Protein change: p.Leu2740=; no amino-acid change (leucine 2740 retained).
Molecular consequence: synonymous variant.
Genome position (GRCh38, 1-based): chr11:17,641,876, C>T. VCF-style: chr11-17641876-C-T. GRCh37 (hg19) VCF-style: chr11-17663423-C-T.
Other names: c.8256C>T, p.Leu2752= (NM_001277269.2).
Identifiers: ClinVar variation 517550 (VCV000517550.8), dbSNP rs749120808, ClinGen allele CA5906255.